The following is an entry in ClinVar:

NC_000023.10:g.(?_117629935)_(119761021_?)dup

Genes: AKAP14 (A-kinase anchoring protein 14; plus strand), ATP1B4 (ATPase Na+/K+ transporting family member beta 4; plus strand), C1GALT1C1 (C1GALT1 specific chaperone 1; minus strand), CUL4B (cullin 4B; minus strand), DOCK11 (dedicator of cytokinesis 11; plus strand) and 24 more. Cytogenetic location: Xq24.
Variant type: Duplication.
Identifiers: ClinVar variation 2425675 (VCV002425675.4).

ClinVar aggregate classification (germline): Uncertain significance (1 of 4 stars; one submission).

Submission:

Labcorp Genetics (formerly Invitae), Labcorp
Classification: Uncertain significance. Last evaluated: 2022-06-27. Review status: criteria provided, single submitter. Criteria: Invitae Variant Classification Sherloc (09022015). Collection method: clinical testing. Allele origin: germline.
Comment: A copy number gain of the genomic region encompassing the full coding sequence of the RNF113A gene has been identified. The boundaries of this event are unknown as they extend beyond the assayed region for this gene and therefore may encompass additional genes. As the precise location of this event is unknown, it may be in tandem or it may be located elsewhere in the genome. This variant has not been reported in the literature in individuals affected with RNF113A-related conditions. In summary, the available evidence is currently insufficient to determine the role of this variant in disease. Therefore, it has been classified as a Variant of Uncertain Significance.